The following is an entry in ClinVar:

ClinVar aggregate classification (germline): Uncertain significance. Review status: criteria provided, multiple submitters, no conflicts (2 of 4 stars). 4 submissions from 4 submitters: Uncertain significance (4). Last evaluated 2026-04-07.

Conditions:
Inborn genetic diseases. Identifiers: MedGen C0950123, MeSH D030342.
BBS9-related disorder. Also called: BBS9-related condition.
Bardet-Biedl syndrome (BBS). Identifiers: Orphanet 110, MedGen C0752166, MONDO:0015229.

Allele frequency attached by ClinVar (database versions not stated): ExAC 0.00002; gnomAD 0.00002; gnomAD exomes 0.00003 and 0.00008; TOPMed 0.00003; ESP Exome Variant Server 0.00008.
gnomAD v4.1: 114 of 1,606,972 alleles (0.0071%); highest among the groups gnomAD compares: Non-Finnish European, 0.0091%; no homozygotes.

Submissions (4):

PreventionGenetics, part of Exact Sciences
Classification: Uncertain significance for BBS9-related condition. Last evaluated: 2026-04-07. Review status: criteria provided, single submitter. Criteria: ACMG Guidelines, 2015. Collection method: clinical testing. Allele origin: germline.
Comment: The BBS9 c.433G>A variant is predicted to result in the amino acid substitution p.Gly145Ser. To our knowledge, this variant has not been reported in the literature. This variant is reported in 0.0053% of alleles in individuals of European (Non-Finnish) descent in gnomAD. At this time, the clinical significance of this variant is uncertain due to the absence of conclusive functional and genetic evidence.

Ambry Genetics
Classification: Uncertain significance for Inborn genetic diseases. Last evaluated: 2024-10-06. Review status: criteria provided, single submitter. Criteria: Ambry Variant Classification Scheme 2023. Collection method: clinical testing. Allele origin: germline.

Blueprint Genetics
Classification: Uncertain significance. Last evaluated: 2024-09-11. Review status: criteria provided, single submitter. Criteria: ACMG Guidelines, 2015. Collection method: clinical testing. Allele origin: germline.

Labcorp Genetics (formerly Invitae), Labcorp
Classification: Uncertain significance for Bardet-Biedl syndrome. Last evaluated: 2021-09-01. Review status: criteria provided, single submitter. Criteria: Invitae Variant Classification Sherloc (09022015). Collection method: clinical testing. Allele origin: germline.
Comment: This sequence change replaces glycine with serine at codon 145 of the BBS9 protein (p.Gly145Ser). The glycine residue is highly conserved and there is a small physicochemical difference between glycine and serine. This variant is present in population databases (rs144340890, ExAC 0.01%). This variant has not been reported in the literature in individuals affected with BBS9-related conditions. ClinVar contains an entry for this variant (Variation ID: 866586). Algorithms developed to predict the effect of missense changes on protein structure and function (SIFT, PolyPhen-2, Align-GVGD) all suggest that this variant is likely to be disruptive. Algorithms developed to predict the effect of sequence changes on RNA splicing suggest that this variant may create or strengthen a splice site. In summary, the available evidence is currently insufficient to determine the role of this variant in disease. Therefore, it has been classified as a Variant of Uncertain Significance.

NM_198428.3(BBS9):c.433G>A (p.Gly145Ser)

Gene: BBS9 (Bardet-Biedl syndrome 9; plus strand). Cytogenetic location: 7p14.3.
Variant type: single nucleotide variant.
Coding change: c.433G>A on transcript NM_198428.3 (MANE Select); coding-DNA position 433, G replaced by A.
Protein change: p.Gly145Ser; replaces glycine 145 with serine.
Molecular consequence: missense variant. On other transcripts: non-coding transcript variant (3).
Genome position (GRCh38, 1-based): chr7:33,177,582, G>A. VCF-style: chr7-33177582-G-A. GRCh37 (hg19) VCF-style: chr7-33217194-G-A.
Other names: c.433G>A, p.Gly145Ser (NM_001033604.2, NM_001033605.2, NM_001348036.1 and 5 more transcripts); c.67G>A, p.Gly23Ser (NM_001348037.3, NM_001348044.3, NM_001348045.3 and 1 more transcripts); c.160G>A, p.Gly54Ser (NM_001348038.3, NM_001348039.3); c.298G>A, p.Gly100Ser (NM_001348042.3); short protein forms G100S, G145S, G23S, G54S.
Identifiers: ClinVar variation 866586 (VCV000866586.10), dbSNP rs144340890, ClinGen allele CA4213982.